The following is an entry in ClinVar:

ClinVar aggregate classification (germline): Uncertain significance. Review status: criteria provided, multiple submitters, no conflicts (2 of 4 stars). 3 submissions from 3 submitters: Uncertain significance (3). Last evaluated 2024-05-02.

Conditions:
Corneal dystrophy. Identifiers: Orphanet 34533, MedGen C0010036, MONDO:0018102, HP:0001131.
Reis-Bucklers' corneal dystrophy (CDRB). Also called: GRANULAR CORNEAL DYSTROPHY, TYPE III. Identifiers: Orphanet 98961, MedGen C0339278, MONDO:0012043, OMIM 608470.
Avellino corneal dystrophy (CDA). Also called: COMBINED GRANULAR-LATTICE CORNEAL DYSTROPHY; GRANULAR CORNEAL DYSTROPHY, TYPE II; Granular-lattice (Avellino) corneal dystrophy; Combined granular-lattice corneal dystrophies; Granular and lattice corneal dystrophies; Granular corneal dystrophy type 2. Identifiers: Orphanet 98963, MedGen C1275685, MONDO:0011855, OMIM 607541.
Epithelial basement membrane dystrophy. Also called: Corneal epithelial dystrophy; CORNEAL DYSTROPHY, ANTERIOR BASEMENT MEMBRANE; CORNEAL DYSTROPHY, MICROCYSTIC; CORNEAL DYSTROPHY, EPITHELIAL BASEMENT MEMBRANE; Microcystic dystrophy of the cornea; Corneal dystrophy, Cogan type. Identifiers: Orphanet 98956, MedGen C0521723, MONDO:0007375, OMIM 121820, HP:0007690.
Lattice corneal dystrophy Type I (CDL1). Identifiers: Orphanet 98964, MedGen C1690006, MONDO:0007380, OMIM 122200.
Corneal dystrophy, lattice type 3A (CDL3A). Also called: Lattice corneal dystrophy type III A. Identifiers: Orphanet 98964, MedGen C1837974, MONDO:0012044, OMIM 608471.
Thiel-Behnke corneal dystrophy (CDTB). Also called: Corneal dystrophy honeycomb shaped; Corneal dystrophy of the Bowman layer type 2. Identifiers: Orphanet 98960, MedGen C1562894, MONDO:0011185, OMIM 602082.
Groenouw corneal dystrophy type I (CDGG1). Also called: GRANULAR CORNEAL DYSTROPHY, TYPE I. Identifiers: Orphanet 98962, MedGen C1641846, MONDO:0007377, OMIM 121900.

Allele frequency attached by ClinVar (database versions not stated): gnomAD 0.00001; gnomAD exomes 0.00002 and 0.00005; TOPMed 0.00002; ExAC 0.00003.
gnomAD v4.1: 75 of 1,613,748 alleles (0.0046%); highest among the groups gnomAD compares: Non-Finnish European, 0.0062%; no homozygotes.

Submissions (3):

Clinical Genomics Laboratory, Washington University in St. Louis
Classification: Uncertain significance for Reis-Bucklers' corneal dystrophy; Groenouw corneal dystrophy type I; Avellino corneal dystrophy; Corneal dystrophy, lattice type 3A; Lattice corneal dystrophy Type I; Thiel-Behnke corneal dystrophy; Epithelial basement membrane dystrophy. Last evaluated: 2024-05-02. Review status: criteria provided, single submitter. Criteria: ACMG Guidelines, 2015. Collection method: clinical testing. Allele origin: germline.
Comment: The TGFBI c.387G>C (p.Arg129Ser) variant, to our knowledge, has not been reported in the medical literature but has been reported in the ClinVar database as a germline variant of uncertain significance by one submitter. This variant is only observed on 6/248,930 alleles in the general population (gnomAD v.2.1.1), indicating it is not a common variant. Although this amino acid is predicted by AlphaFold to occur in close physical vicinity to a known hotspot for pathogenic variation, p.Arg124 (Kannabiran C et al., PMID: 16683255), computational predictors are uncertain as to the impact of this variant on TGFBI function. Due to limited information, and based on ACMG/AMP guidelines for variant interpretation (Richards S et al., PMID: 25741868), the clinical significance of this variant is uncertain at this time.

Blueprint Genetics
Classification: Uncertain significance. Last evaluated: 2022-10-04. Review status: criteria provided, single submitter. Criteria: ACMG Guidelines, 2015. Collection method: clinical testing. Allele origin: germline.

Illumina Laboratory Services, Illumina
Classification: Uncertain significance for Corneal dystrophy. Last evaluated: 2018-01-12. Review status: criteria provided, single submitter. Criteria: ICSL Variant Classification Criteria 13 December 2019. Collection method: clinical testing. Allele origin: germline.

NM_000358.3(TGFBI):c.387G>C (p.Arg129Ser)

Gene: TGFBI (transforming growth factor beta induced; plus strand). Cytogenetic location: 5q31.1.
Variant type: single nucleotide variant.
Coding change: c.387G>C on transcript NM_000358.3 (MANE Select); coding-DNA position 387, G replaced by C.
Protein change: p.Arg129Ser; replaces arginine 129 with serine.
Molecular consequence: missense variant.
Genome position (GRCh38, 1-based): chr5:136,046,423, G>C. VCF-style: chr5-136046423-G-C. GRCh37 (hg19) VCF-style: chr5-135382112-G-C.
Other names: short protein forms R129S.
Identifiers: ClinVar variation 906736 (VCV000906736.6), dbSNP rs765026368, ClinGen allele CA3420013.